The following is an entry in ClinVar:

NM_000245.4(MET):c.2461T>C (p.Phe821Leu)

Gene: MET (MET proto-oncogene, receptor tyrosine kinase; plus strand). Cytogenetic location: 7q31.2.
Variant type: single nucleotide variant.
Coding change: c.2461T>C on transcript NM_000245.4 (MANE Select); coding-DNA position 2461, T replaced by C.
Protein change: p.Phe821Leu; replaces phenylalanine 821 with leucine.
Molecular consequence: missense variant.
Genome position (GRCh38, 1-based): chr7:116,763,146, T>C. VCF-style: chr7-116763146-T-C. GRCh37 (hg19) VCF-style: chr7-116403200-T-C.
Other names: c.2515T>C, p.Phe839Leu (NM_001127500.3); c.2461T>C, p.Phe821Leu (NM_001324401.3); c.1171T>C, p.Phe391Leu (NM_001324402.2); short protein forms F821L, F839L, F391L.
Identifiers: ClinVar variation 972467 (VCV000972467.13), dbSNP rs1794465668, ClinGen allele CA368983289.

ClinVar aggregate classification (germline): Uncertain significance. Review status: criteria provided, multiple submitters, no conflicts (2 of 4 stars). 2 submissions from 2 submitters: Uncertain significance (2). Last evaluated 2025-05-13.

Conditions:
Hereditary cancer-predisposing syndrome. Also called: Hereditary Cancer Syndrome; Hereditary neoplastic syndrome; Tumor predisposition; Neoplastic Syndromes, Hereditary. Identifiers: Orphanet 140162, MedGen C0027672, MeSH D009386, MONDO:0015356.
Renal cell carcinoma. Identifiers: Orphanet 217071, MedGen C0007134, MeSH D002292, MONDO:0005086, HP:0005584.

Submissions (2):

Labcorp Genetics (formerly Invitae), Labcorp
Classification: Uncertain significance for Renal cell carcinoma. Last evaluated: 2025-05-13. Review status: criteria provided, single submitter. Criteria: Invitae Variant Classification Sherloc (09022015). Collection method: clinical testing. Allele origin: germline.
Comment: This sequence change replaces phenylalanine, which is neutral and non-polar, with leucine, which is neutral and non-polar, at codon 839 of the MET protein (p.Phe839Leu). This variant is not present in population databases (gnomAD no frequency). This variant has not been reported in the literature in individuals affected with MET-related conditions. ClinVar contains an entry for this variant (Variation ID: 972467). Invitae Evidence Modeling of protein sequence and biophysical properties (such as structural, functional, and spatial information, amino acid conservation, physicochemical variation, residue mobility, and thermodynamic stability) indicates that this missense variant is not expected to disrupt MET protein function with a negative predictive value of 80%. In summary, the available evidence is currently insufficient to determine the role of this variant in disease. Therefore, it has been classified as a Variant of Uncertain Significance.

Ambry Genetics
Classification: Uncertain significance for Hereditary cancer-predisposing syndrome. Last evaluated: 2024-09-17. Review status: criteria provided, single submitter. Criteria: Ambry Variant Classification Scheme 2023. Collection method: clinical testing. Allele origin: germline.
Comment: The p.F839L variant (also known as c.2515T>C), located in coding exon 10 of the MET gene, results from a T to C substitution at nucleotide position 2515. The phenylalanine at codon 839 is replaced by leucine, an amino acid with highly similar properties. This amino acid position is highly conserved in available vertebrate species. In addition, the in silico prediction for this alteration is inconclusive. Based on the available evidence, the clinical significance of this variant remains unclear.